The following is an entry in ClinVar:

ClinVar aggregate classification (germline): Likely pathogenic. Review status: criteria provided, multiple submitters, no conflicts (2 of 4 stars). 4 submissions from 4 submitters: Likely pathogenic (4). Last evaluated 2024-11-21.

Conditions:
TTN-related disorder. Also called: TTN-related condition; TTN-related disease; TTN-related disorders.
Cardiovascular phenotype. Identifiers: MedGen CN230736.
Dilated cardiomyopathy 1G (CMD1G). Identifiers: Orphanet 154, MedGen C1858763, MONDO:0011400, OMIM 604145.
Autosomal recessive limb-girdle muscular dystrophy type 2J (LGMDR10). Also called: Limb-girdle muscular dystrophy, type 2J; MUSCULAR DYSTROPHY, LIMB-GIRDLE, AUTOSOMAL RECESSIVE 10. Identifiers: Orphanet 140922, MedGen C1837342, MONDO:0012127, OMIM 608807.
Cardiomyopathy (CMYO). Also called: Cardiomyopathies. Identifiers: Orphanet 167848, MedGen C0878544, MONDO:0004994, HP:0001638. Inheritance: Various modes of inheritance.

Submissions (4):

Ambry Genetics
Classification: Likely pathogenic for Cardiovascular phenotype. Last evaluated: 2024-11-21. Review status: criteria provided, single submitter. Criteria: Ambry Variant Classification Scheme 2023. Collection method: clinical testing. Allele origin: germline.
Comment: The c.18563_18569delACATCAT variant, located in coding exon 74 of the TTN gene, results from a deletion of 7 nucleotides at nucleotide positions 18563 to 18569, causing a translational frameshift with a predicted alternate stop codon (p.Y6188Ffs*6). This exon is located in the I-band region of the N2-B isoform of the titin protein and is constitutively expressed in TTN transcripts (percent spliced in or PSI 100%). This variant is considered to be rare based on population cohorts in the Genome Aggregation Database (gnomAD). This alteration is expected to result in loss of function by premature protein truncation or nonsense-mediated mRNA decay. While truncating variants in TTN are present in 1-3% of the general population, truncating variants in the A-band are the most common cause of dilated cardiomyopathy (DCM) (Herman DS et al. N. Engl. J. Med., 2012 Feb;366:619-28; Roberts AM et al. Sci Transl Med, 2015 Jan;7:270ra6). TTN truncating variants encoded in constitutive exons (PSI >90%) have been found to be significantly associated with DCM regardless of their position in titin (Schafer S et al. Nat. Genet., 2017 01;49:46-53). Based on the majority of available evidence to date, this variant is likely to be pathogenic.

Labcorp Genetics (formerly Invitae), Labcorp
Classification: Likely pathogenic for Dilated cardiomyopathy 1G; Autosomal recessive limb-girdle muscular dystrophy type 2J. Last evaluated: 2024-05-01. Review status: criteria provided, single submitter. Criteria: Invitae Variant Classification Sherloc (09022015). Collection method: clinical testing. Allele origin: germline.
Comment: This sequence change creates a premature translational stop signal (p.Tyr15253Phefs*6) in the TTN gene. While this is not anticipated to result in nonsense mediated decay, it is expected to create a truncated TTN protein. This variant is not present in population databases (gnomAD no frequency). This premature translational stop signal has been observed in individual(s) with autosomal dominant dilated cardiomyopathy (Invitae). ClinVar contains an entry for this variant (Variation ID: 626683). This variant is located in the I band of TTN (PMID: 25589632). Truncating variants in this region have been reported in individuals affected with autosomal recessive centronuclear myopathy (PMID: 23975875, Invitae internal data). Truncating variants in this region have also been identified in individuals affected with autosomal dominant dilated cardiomyopathy and/or cardio-related conditions (PMID: 27869827, 32964742, Invitae internal data). In summary, the currently available evidence indicates that the variant is pathogenic, but additional data are needed to prove that conclusively. Therefore, this variant has been classified as Likely Pathogenic.

Blueprint Genetics
Classification: Likely pathogenic for TTN-related disorders. Last evaluated: 2023-12-28. Review status: criteria provided, single submitter. Criteria: ACMG Guidelines, 2015. Collection method: clinical testing. Allele origin: germline. Affected: yes. Observed: 2 variant alleles.

CHEO Genetics Diagnostic Laboratory, Children's Hospital of Eastern Ontario
Classification: Likely pathogenic for Cardiomyopathy. Last evaluated: 2017-10-30. Review status: criteria provided, single submitter. Criteria: ACMG Guidelines, 2015. Collection method: clinical testing. Allele origin: germline. Study: Canadian Open Genetics Repository.

Literature cited by the submitters: PubMed 25589632 (cited by Labcorp Genetics (formerly Invitae), Labcorp); PubMed 23975875 (cited by Labcorp Genetics (formerly Invitae), Labcorp); PubMed 27869827 (cited by Labcorp Genetics (formerly Invitae), Labcorp); PubMed 32964742 (cited by Labcorp Genetics (formerly Invitae), Labcorp).

NM_001267550.2(TTN):c.45758_45764del (p.Tyr15253fs)

Gene: TTN (titin; minus strand). Cytogenetic location: 2q31.2.
Variant type: Deletion.
Coding change: c.45758_45764del on transcript NM_001267550.2 (MANE Select); coding-DNA positions 45758 to 45764, 7 bases deleted (ACATCAT; older notation c.45758_45764delACATCAT).
Protein change: p.Tyr15253fs; shifts the reading frame from tyrosine 15253.
Molecular consequence: frameshift variant.
Genome position (GRCh38, 1-based): chr2:178,620,846-178,620,852, ATGATGT deleted on the plus strand (ACATCAT on the coding strand, the reverse complement: TTN is on the minus strand); deleting any 7 consecutive bases within chr2:178,620,846-178,620,854 gives the same sequence; the c. name uses the placement nearest the transcript's 3' end. VCF-style (leftmost placement, unchanged base first): chr2-178620845-AATGATGT-A. GRCh37 (hg19) VCF-style: chr2-179485572-AATGATGT-A.
Other names: c.40835_40841del, p.Tyr13612fs (NM_001256850.1); c.18563_18569del, p.Tyr6188fs (NM_003319.4); c.38054_38060del, p.Tyr12685fs (NM_133378.4); c.18938_18944del, p.Tyr6313fs (NM_133432.3); c.19139_19145del, p.Tyr6380fs (NM_133437.4); c.18563_18569delACATCAT (NM_003319.4); short protein forms Y15253fs, Y6380fs, Y12685fs, Y6313fs, Y13612fs, Y6188fs.
Identifiers: ClinVar variation 626683 (VCV000626683.6), dbSNP rs1559873786, ClinGen allele CA913189758.